The following is an entry in ClinVar:

NM_032520.5(GNPTG):c.233+6T>G

Gene: GNPTG (N-acetylglucosamine-1-phosphate transferase subunit gamma; plus strand). Cytogenetic location: 16p13.3.
Variant type: single nucleotide variant.
Coding change: c.233+6T>G on transcript NM_032520.5 (MANE Select); 6 bases into the intron after coding-DNA position 233, T replaced by G.
Molecular consequence: intron variant.
Genome position (GRCh38, 1-based): chr16:1,361,803, T>G. VCF-style: chr16-1361803-T-G. GRCh37 (hg19) VCF-style: chr16-1411804-T-G.
Identifiers: ClinVar variation 1413184 (VCV001413184.6), dbSNP rs2141861859, ClinGen allele CA2573151709.

ClinVar aggregate classification (germline): Uncertain significance (1 of 4 stars; one submission).

Submission:

Labcorp Genetics (formerly Invitae), Labcorp
Classification: Uncertain significance. Last evaluated: 2022-06-20. Review status: criteria provided, single submitter. Criteria: Invitae Variant Classification Sherloc (09022015). Collection method: clinical testing. Allele origin: germline.
Comment: In summary, the available evidence is currently insufficient to determine the role of this variant in disease. Therefore, it has been classified as a Variant of Uncertain Significance. Variants that disrupt the consensus splice site are a relatively common cause of aberrant splicing (PMID: 17576681, 9536098). Algorithms developed to predict the effect of sequence changes on RNA splicing suggest that this variant may disrupt the consensus splice site. This variant has not been reported in the literature in individuals affected with GNPTG-related conditions. This variant is not present in population databases (gnomAD no frequency). This sequence change falls in intron 4 of the GNPTG gene. It does not directly change the encoded amino acid sequence of the GNPTG protein. It affects a nucleotide within the consensus splice site.

Literature cited by the submitters: PubMed 17576681; PubMed 9536098.